The following is an entry in ClinVar:

NM_001134673.4(NFIA):c.566G>A (p.Ser189Asn)

Gene: NFIA (nuclear factor I A; plus strand). Cytogenetic location: 1p31.3.
Variant type: single nucleotide variant.
Coding change: c.566G>A on transcript NM_001134673.4 (MANE Select); coding-DNA position 566, G replaced by A.
Protein change: p.Ser189Asn; replaces serine 189 with asparagine.
Molecular consequence: missense variant.
Genome position (GRCh38, 1-based): chr1:61,277,526, G>A. VCF-style: chr1-61277526-G-A. GRCh37 (hg19) VCF-style: chr1-61743198-G-A.
Other names: c.542G>A, p.Ser181Asn (NM_001145511.2); c.701G>A, p.Ser234Asn (NM_001145512.2); c.566G>A, p.Ser189Asn (NM_005595.5); short protein forms S181N, S234N, S189N.
Identifiers: ClinVar variation 2054514 (VCV002054514.4), dbSNP rs138408465, ClinGen allele CA880969.
Genomic context (GRCh38, chr1:61,277,526, plus strand): 5'-TGCACTTTCCCTTGCAGACCCTGTAATTTTTGGCTGTATTTTTATGTTTTTCAGATTCAA[G>A]TCAATCTGAAAGTCCCAGCCAGCCAAGTGACGCTGACATTAAGGACCAGCCAGAAAATGG-3'
Protein context (NP_001128145.1, residues 179-199): LAYFVHAADS[Ser189Asn]QSESPSQPSD

ClinVar aggregate classification (germline): Uncertain significance (1 of 4 stars; one submission).

Allele frequency attached by ClinVar (database versions not stated): TOPMed 0.00001; ExAC 0.00002; gnomAD 0.00003; gnomAD exomes 0.00003; ESP Exome Variant Server 0.00008.
gnomAD v4.1: 22 of 1,613,514 alleles (0.0014%); highest among the groups gnomAD compares: Admixed American, 0.01%; no homozygotes.

Submission:

Labcorp Genetics (formerly Invitae), Labcorp
Classification: Uncertain significance. Last evaluated: 2026-02-03. Review status: criteria provided, single submitter. Criteria: Invitae Variant Classification Sherloc (09022015). Collection method: clinical testing. Allele origin: germline.
Comment: This sequence change replaces serine, which is neutral and polar, with asparagine, which is neutral and polar, at codon 189 of the NFIA protein (p.Ser189Asn). This variant is present in population databases (rs138408465, gnomAD 0.01%). This variant has not been reported in the literature in individuals affected with NFIA-related conditions. ClinVar contains an entry for this variant (Variation ID: 2054514). An algorithm developed to predict the effect of missense changes on protein structure and function (PolyPhen-2) suggests that this variant is likely to be tolerated. In summary, the available evidence is currently insufficient to determine the role of this variant in disease. Therefore, it has been classified as a Variant of Uncertain Significance.